The following is an entry in ClinVar:

ClinVar aggregate classification (germline): Uncertain significance (1 of 4 stars; one submission).

Submission:

Labcorp Genetics (formerly Invitae), Labcorp
Classification: Uncertain significance. Last evaluated: 2022-07-18. Review status: criteria provided, single submitter. Criteria: Invitae Variant Classification Sherloc (09022015). Collection method: clinical testing. Allele origin: germline.
Comment: This variant results in a copy number gain of the genomic region encompassing exon(s) 1 of the CNNM4 gene. This region includes the initiator codon of the gene. This copy number gain extends beyond the assayed region for this gene and therefore may encompass additional genes. As the precise location of this event is unknown, it may be in tandem or it may be located elsewhere in the genome. This variant has not been reported in the literature in individuals affected with CNNM4-related conditions. In summary, the available evidence is currently insufficient to determine the role of this variant in disease. Therefore, it has been classified as a Variant of Uncertain Significance.

NC_000002.11:g.(?_97399256)_(97428138_?)dup

Genes: CNNM4 (cyclin and CBS domain divalent metal cation transport mediator 4; plus strand), LMAN2L (lectin, mannose binding 2 like; minus strand). Cytogenetic location: 2q11.2.
Variant type: Duplication.
Identifiers: ClinVar variation 1004380 (VCV001004380.2).